The following is an entry in ClinVar:

NM_000235.4(LIPA):c.599T>C (p.Leu200Pro)

Gene: LIPA (lipase A, lysosomal acid type; minus strand). Cytogenetic location: 10q23.31.
Variant type: single nucleotide variant.
Coding change: c.599T>C on transcript NM_000235.4 (MANE Select); coding-DNA position 599, T replaced by C.
Protein change: p.Leu200Pro; replaces leucine 200 with proline.
Molecular consequence: missense variant.
Genome position (GRCh38, 1-based): chr10:89,225,168, A>G on the plus strand (T>C on the coding strand, the complement: LIPA is on the minus strand). VCF-style: chr10-89225168-A-G. GRCh37 (hg19) VCF-style: chr10-90984925-A-G.
Other names: L179P; c.599T>C, p.Leu200Pro (NM_001127605.3); c.251T>C, p.Leu84Pro (NM_001288979.2); short protein forms L200P, L84P.
Identifiers: ClinVar variation 77 (VCV000000077.24), dbSNP rs121965086, ClinGen allele CA113832.

ClinVar aggregate classification (germline): Pathogenic. Review status: criteria provided, multiple submitters, no conflicts (2 of 4 stars). 9 submissions from 8 submitters: Pathogenic (6). 3 of the submissions do not count toward it. Last evaluated 2025-11-07.

Conditions:
Cholestasis. Identifiers: MedGen C0008370, MONDO:0001751, HP:0001396.
Cholesteryl ester storage disease (CESD). Also called: Childhood/Adult-Onset LAL-D (Cholesterol Ester Storage Disease [CESD]). Identifiers: Orphanet 75234, MedGen C0008384, MONDO:0019149, OMIM 278000.
Cardiovascular phenotype. Identifiers: MedGen CN230736.
Wolman disease (WOLD). Also called: LYSOSOMAL ACID LIPASE DEFICIENCY, ACUTE INFANTILE; LYSOSOMAL ACID LIPASE DEFICIENCY, COMPLETE; LIPA DEFICIENCY, COMPLETE; LAL DEFICIENCY, COMPLETE; CHOLESTEROL ESTER HYDROLASE DEFICIENCY, COMPLETE; Wolman disease with hypolipoproteinemia and acanthocytosis. Identifiers: Orphanet 75233, MedGen C0043208, MONDO:0019148, OMIM 620151.
Lysosomal acid lipase deficiency. Also called: Acid cholesteryl ester hydrolase deficiency, type 2. Identifiers: Orphanet 275761, MedGen C5574740, MONDO:0800449, MONDO:0010204.

Allele frequency attached by ClinVar (database versions not stated): TOPMed 0.00001; gnomAD exomes 0.00002 and 0.00001; ExAC 0.00001; gnomAD 0.00001.
gnomAD v4.1: 31 of 1,614,102 alleles (0.0019%); highest among the groups gnomAD compares: Non-Finnish European, 0.0025%; no homozygotes.

Submissions (9):

Ambry Genetics
Classification: Pathogenic for Cardiovascular phenotype. Last evaluated: 2025-11-07. Review status: criteria provided, single submitter. Criteria: Ambry Variant Classification Scheme 2023. Collection method: clinical testing. Allele origin: germline.
Comment: The c.599T>C (p.L200P) alteration is located in exon 6 (coding exon 5) of the LIPA gene. This alteration results from a T to C substitution at nucleotide position 599, causing the leucine (L) at amino acid position 200 to be replaced by a proline (P). Based on data from gnomAD, the C allele has an overall frequency of 0.001% (2/251462) total alleles studied. The highest observed frequency was 0.016% (1/6140) of Other alleles. This variant has been identified in the homozygous state and/or in conjunction with other LIPA variant(s) in individual(s) with features consistent with Lysosomal acid lipase deficiency; in at least one instance, the variants were identified in trans (Pullinger, 2015; Del Angel, 2019; Saad, 2021). In multiple assays testing LIPA function, this variant showed functionally abnormal results (Del Angel, 2019; Vinje, 2018; Anderson, 1999). Based on the available evidence, this alteration is classified as pathogenic.

Institute Of Liver Studies, NHS South East Genomic Laboratory Hub
Classification: Pathogenic for Cholestasis. Last evaluated: 2024-08-27. Review status: criteria provided, single submitter. Criteria: ACGS Best Practice Guidelines for Variant Classification in Rare Disease 2020. Collection method: clinical testing. Allele origin: germline. Affected: yes.

Natera, Inc.
Classification: Pathogenic for Lysosomal acid lipase deficiency. Last evaluated: 2024-03-07. Review status: criteria provided, single submitter. Criteria: Natera Variant Classification Schema (03/2026). Collection method: clinical testing. Allele origin: germline.
Comment: The c.599T>C variant in LIPA is a missense variant predicted to cause substitution of leucine to proline at amino acid 200. This variant is rare in the general population with a frequency below the threshold expected for the associated phenotype(s). This variant has been observed in one or more individuals affected with the associated recessive disease, as either homozygous or compound heterozygous with a second variant (PMID: 8146180, 33457437, 23430518). Additionally, this variant has been observed to segregate in affected family members (PMID: 8598644). Functional studies show that this variant may disrupt protein function (PMID: 29196158, 7499245). Computational prediction algorithms indicate this variant is likely to affect gene or protein function. Given the available evidence, this variant is classified as Pathogenic.

GENinCode PLC
Classification: Pathogenic for Lysosomal acid lipase deficiency. Last evaluated: 2023-11-16. Review status: criteria provided, single submitter. Criteria: ACMG Guidelines, 2015. Collection method: clinical testing. Allele origin: germline.
Comment: The c.599T>C p.(Leu200Pro) variant in LIPA is a missense variant that has been seen in several patients with a clinical diagnosis of Lysosomal Acid Lipase Deficiency who also carry a second pathogenic LIPA variant (PM3_STRONG, PP4_SUPPORTING; PMIDs 8146180, 8598644, 23430518, 26350820). The highest population minor allele frequency in gnomAD v4.1.0 is 0.00002458 in European (non-Finnish) population (PM2_MODERATE). Functional studies demonstrated loss of enzyme activity in vitro (PS3_STRONG; PMIDs 7499245, 8146180, 31131398, 31180157) and the REVEL score is 0.896 (PP3_SUPPORTING). Based on the evidence listed above, this variant has been classified as pathogenic.

Labcorp Genetics (formerly Invitae), Labcorp
Classification: Pathogenic for Wolman disease. Last evaluated: 2023-07-03. Review status: criteria provided, single submitter. Criteria: Invitae Variant Classification Sherloc (09022015). Collection method: clinical testing. Allele origin: germline.
Comment: Experimental studies have shown that this missense change affects LIPA function (PMID: 7499245, 10562460). Advanced modeling of protein sequence and biophysical properties (such as structural, functional, and spatial information, amino acid conservation, physicochemical variation, residue mobility, and thermodynamic stability) performed at Invitae indicates that this missense variant is expected to disrupt LIPA protein function. ClinVar contains an entry for this variant (Variation ID: 77). This variant is also known as L179P. This missense change has been observed in individual(s) with cholesterol ester storage disease (CESD) or Wolman disease (PMID: 8146180, 8598644, 8617513, 23430518). It has also been observed to segregate with disease in related individuals. This variant is present in population databases (rs121965086, gnomAD 0.003%). This sequence change replaces leucine, which is neutral and non-polar, with proline, which is neutral and non-polar, at codon 200 of the LIPA protein (p.Leu200Pro). For these reasons, this variant has been classified as Pathogenic.

Women's Health and Genetics/Laboratory Corporation of America, LabCorp
Classification: Pathogenic for Wolman disease. Last evaluated: 2023-02-16. Review status: criteria provided, single submitter. Criteria: LabCorp Variant Classification Summary - May 2015. Collection method: clinical testing. Allele origin: germline.
Comment: Variant summary: LIPA c.599T>C (p.Leu200Pro) results in a non-conservative amino acid change located in the Alpha/beta hydrolase fold-1 domain (IPR000073) of the encoded protein sequence. This variant is also known as L179P. Five of five in-silico tools predict a damaging effect of the variant on protein function. The variant allele was found at a frequency of 8e-06 in 251462 control chromosomes (gnomAD). c.599T>C has been reported in the literature in individuals affected with Lysosomal Acid Lipase Deficiency (examples: Pullinger_2015, Ambler_2012, Anderson_1994, Maslen_1995). These data indicate that the variant is likely to be associated with disease. At least one publication reports experimental evidence evaluating an impact on protein function. The most pronounced variant effect results in <10% of normal activity (example: Vinje_2019) . Three clinical diagnostic laboratories have submitted clinical-significance assessments for this variant to ClinVar after 2014 and all classified the variant as pathogenic/likely pathogenic. Based on the evidence outlined above, the variant was classified as pathogenic.

Counsyl
Classification: Likely pathogenic for Cholesteryl ester storage disease. Last evaluated: 2017-08-08. Review status: no assertion criteria provided. Collection method: clinical testing. Allele origin: unknown. Not counted in ClinVar's aggregate classification.

OMIM
Classification: Pathogenic for WOLMAN DISEASE. Last evaluated: 1995-01-01. Review status: no assertion criteria provided. Collection method: literature only. Allele origin: germline. Not counted in ClinVar's aggregate classification.

OMIM
Classification: Pathogenic for CHOLESTERYL ESTER STORAGE DISEASE. Last evaluated: 1995-01-01. Review status: no assertion criteria provided. Collection method: literature only. Allele origin: germline. Not counted in ClinVar's aggregate classification.

Literature cited by the submitters: PubMed 10562460 (cited by 3 submitters); PubMed 26350820 (cited by 3 submitters); PubMed 29196158 (cited by Ambry Genetics and Natera, Inc.); PubMed 31180157 (cited by Ambry Genetics and GENinCode PLC); PubMed 33457437 (cited by Ambry Genetics and Natera, Inc.); PubMed 8146180 (cited by 6 submitters); PubMed 23430518 (cited by 5 submitters); PubMed 8598644 (cited by 6 submitters); PubMed 7499245 (cited by 4 submitters); PubMed 31131398 (cited by GENinCode PLC and Women's Health and Genetics/Laboratory Corporation of America, LabCorp); PubMed 8617513 (cited by Labcorp Genetics (formerly Invitae), Labcorp and Counsyl); PubMed 22138108 (cited by Counsyl); Maslen, C. L., Illingworth, D. R. Molecular genetics of cholesterol ester hydrolase deficiency. (Abstract) Am. J. Hum. Genet. 53 (suppl.): A926, 1993. (cited by OMIM).